The following is an entry in ClinVar:

NM_001171613.2(PREPL):c.1055G>C (p.Ser352Thr)

Gene: PREPL (prolyl endopeptidase like; minus strand). Cytogenetic location: 2p21.
Variant type: single nucleotide variant.
Coding change: c.1055G>C on transcript NM_001171613.2 (MANE Select); coding-DNA position 1055, G replaced by C.
Protein change: p.Ser352Thr; replaces serine 352 with threonine.
Molecular consequence: missense variant. On other transcripts: intron variant (1).
Genome position (GRCh38, 1-based): chr2:44,332,490, C>G on the plus strand (G>C on the coding strand, the complement: PREPL is on the minus strand). VCF-style: chr2-44332490-C-G. GRCh37 (hg19) VCF-style: chr2-44559629-C-G.
Other names: c.1322G>C, p.Ser441Thr (NM_006036.4, NM_001171603.1, NM_001171606.2 and 2 more transcripts); c.1136G>C, p.Ser379Thr (NM_001042385.2); c.1055G>C, p.Ser352Thr (NM_001171617.1, NM_001374277.1); c.1156-3378G>C (NM_001042386.2); short protein forms S379T, S441T, S352T.
Identifiers: ClinVar variation 654982 (VCV000654982.6), dbSNP rs182129466, ClinGen allele CA1641266.
Genomic context (GRCh38, chr2:44,332,490, plus strand): 5'-GAGCTGAAAGTGAAGATTATAAGACCTACCTTGCTTTTGGCTTCTAGACGTAAAACGCGA[C>G]TAGTCTTTGTGATTGGGTCTTCATGCCCAGTTTCCTCAAACAGTTTGCCTTCTGCAAACT-3'
Protein context (NP_001165084.1, residues 342-362): TGHEDPITKT[Ser352Thr]RVLRLEAKSK

ClinVar aggregate classification (germline): Uncertain significance (1 of 4 stars; one submission).

Conditions:
Myasthenic syndrome, congenital, 22 (CMS22). Also called: PREPL DEFICIENCY. Identifiers: MedGen C4479088, MONDO:0044299, OMIM 616224.

Allele frequency attached by ClinVar (database versions not stated): gnomAD 0.00001 and 0.00003; gnomAD exomes 0.00002 and 0.00008; ExAC 0.00006; TOPMed 0.00006; 1000 Genomes Project 30x 0.00031; 1000 Genomes Project 0.00040.
gnomAD v4.1: 36 of 1,614,072 alleles (0.0022%); highest among the groups gnomAD compares: Admixed American, 0.04%; no homozygotes.

Submission:

Labcorp Genetics (formerly Invitae), Labcorp
Classification: Uncertain significance for Myasthenic syndrome, congenital, 22. Last evaluated: 2022-10-22. Review status: criteria provided, single submitter. Criteria: Invitae Variant Classification Sherloc (09022015). Collection method: clinical testing. Allele origin: germline.
Comment: This sequence change replaces serine, which is neutral and polar, with threonine, which is neutral and polar, at codon 441 of the PREPL protein (p.Ser441Thr). This variant is present in population databases (rs182129466, gnomAD 0.05%). This variant has not been reported in the literature in individuals affected with PREPL-related conditions. ClinVar contains an entry for this variant (Variation ID: 654982). Advanced modeling of protein sequence and biophysical properties (such as structural, functional, and spatial information, amino acid conservation, physicochemical variation, residue mobility, and thermodynamic stability) performed at Invitae indicates that this missense variant is not expected to disrupt PREPL protein function. In summary, the available evidence is currently insufficient to determine the role of this variant in disease. Therefore, it has been classified as a Variant of Uncertain Significance.